The following is an entry in ClinVar:

ClinVar aggregate classification (germline): Uncertain significance. Review status: criteria provided, multiple submitters, no conflicts (2 of 4 stars). 2 submissions from 2 submitters: Uncertain significance (2). Last evaluated 2025-07-15.

Allele frequency attached by ClinVar (database versions not stated): gnomAD 0.00001; gnomAD exomes 0.00004 and 0.00009; TOPMed 0.00004; ExAC 0.00006.

Submissions (2):

Labcorp Genetics (formerly Invitae), Labcorp
Classification: Uncertain significance. Last evaluated: 2025-07-15. Review status: criteria provided, single submitter. Criteria: Invitae Variant Classification Sherloc (09022015). Collection method: clinical testing. Allele origin: germline.
Comment: This sequence change replaces proline, which is neutral and non-polar, with leucine, which is neutral and non-polar, at codon 348 of the KLF10 protein (p.Pro348Leu). This variant is present in population databases (rs752020812, gnomAD 0.07%), and has an allele count higher than expected for a pathogenic variant. This variant has not been reported in the literature in individuals affected with KLF10-related conditions. ClinVar contains an entry for this variant (Variation ID: 1405476). An algorithm developed to predict the effect of missense changes on protein structure and function (PolyPhen-2) suggests that this variant is likely to be disruptive. In summary, the available evidence is currently insufficient to determine the role of this variant in disease. Therefore, it has been classified as a Variant of Uncertain Significance.

Ambry Genetics
Classification: Uncertain significance. Last evaluated: 2025-04-13. Review status: criteria provided, single submitter. Criteria: Ambry Variant Classification Scheme 2023. Collection method: clinical testing. Allele origin: germline.

NM_005655.4(KLF10):c.1043C>T (p.Pro348Leu)

Gene: KLF10 (KLF transcription factor 10; minus strand). Cytogenetic location: 8q22.3.
Variant type: single nucleotide variant.
Coding change: c.1043C>T on transcript NM_005655.4 (MANE Select); coding-DNA position 1043, C replaced by T.
Protein change: p.Pro348Leu; replaces proline 348 with leucine.
Molecular consequence: missense variant.
Genome position (GRCh38, 1-based): chr8:102,651,289, G>A on the plus strand (C>T on the coding strand, the complement: KLF10 is on the minus strand). VCF-style: chr8-102651289-G-A. GRCh37 (hg19) VCF-style: chr8-103663517-G-A.
Other names: c.1010C>T, p.Pro337Leu (NM_001032282.4); c.1043C>T (NM_005655.2); short protein forms P337L, P348L.
Identifiers: ClinVar variation 1405476 (VCV001405476.9), dbSNP rs752020812, ClinGen allele CA4833484.